The following is an entry in ClinVar:

ClinVar aggregate classification (germline): Uncertain significance. Review status: criteria provided, multiple submitters, no conflicts (2 of 4 stars). 4 submissions from 4 submitters: Uncertain significance (4). Last evaluated 2025-01-23.

Conditions:
Giant axonal neuropathy 1 (GAN1). Also called: GAN-Related Neurodegeneration; GIANT AXONAL NEUROPATHY 1, AUTOSOMAL RECESSIVE. Identifiers: Orphanet 643, MedGen C1850386, MONDO:0009749, OMIM 256850.
Inborn genetic diseases. Identifiers: MedGen C0950123, MeSH D030342.

Allele frequency attached by ClinVar (database versions not stated): ExAC 0.00002; gnomAD exomes 0.00002; ESP Exome Variant Server 0.00008; TOPMed 0.00008; gnomAD 0.00009.

Submissions (4):

GeneDx
Classification: Uncertain significance. Last evaluated: 2025-01-23. Review status: criteria provided, single submitter. Criteria: GeneDx Variant Classification Process June 2021. Collection method: clinical testing. Allele origin: germline. Affected: yes.
Comment: Missense variants in this gene are a common cause of disease and they are underrepresented in the general population; In silico analysis indicates that this missense variant does not alter protein structure/function; Has not been previously published as pathogenic or benign to our knowledge; This variant is associated with the following publications: (PMID: 27023907)

Labcorp Genetics (formerly Invitae), Labcorp
Classification: Uncertain significance for Giant axonal neuropathy 1. Last evaluated: 2022-07-17. Review status: criteria provided, single submitter. Criteria: Invitae Variant Classification Sherloc (09022015). Collection method: clinical testing. Allele origin: germline.
Comment: This sequence change replaces alanine, which is neutral and non-polar, with threonine, which is neutral and polar, at codon 482 of the GAN protein (p.Ala482Thr). This variant is present in population databases (rs369693274, gnomAD 0.02%). This variant has not been reported in the literature in individuals affected with GAN-related conditions. ClinVar contains an entry for this variant (Variation ID: 533927). Algorithms developed to predict the effect of missense changes on protein structure and function (SIFT, PolyPhen-2, Align-GVGD) all suggest that this variant is likely to be tolerated. In summary, the available evidence is currently insufficient to determine the role of this variant in disease. Therefore, it has been classified as a Variant of Uncertain Significance.

Ambry Genetics
Classification: Uncertain significance for Inborn genetic diseases. Last evaluated: 2019-10-16. Review status: criteria provided, single submitter. Criteria: Ambry Variant Classification Scheme 2023. Collection method: clinical testing. Allele origin: germline.
Comment: The p.A482T variant (also known as c.1444G>A), located in coding exon 9 of the GAN gene, results from a G to A substitution at nucleotide position 1444. The alanine at codon 482 is replaced by threonine, an amino acid with similar properties. This amino acid position is poorly conserved in available vertebrate species. In addition, this alteration is predicted to be tolerated by in silico analysis. Since supporting evidence is limited at this time, the clinical significance of this alteration remains unclear.

Breakthrough Genomics
Classification: Uncertain significance. Review status: criteria provided, single submitter. Criteria: ACMG Guidelines, 2015. Collection method: not provided. Allele origin: germline. Inheritance: Autosomal recessive inheritance. Affected: yes.

NM_022041.4(GAN):c.1444G>A (p.Ala482Thr)

Gene: GAN (gigaxonin; plus strand). Cytogenetic location: 16q23.2.
Variant type: single nucleotide variant.
Coding change: c.1444G>A on transcript NM_022041.4 (MANE Select); coding-DNA position 1444, G replaced by A.
Protein change: p.Ala482Thr; replaces alanine 482 with threonine.
Molecular consequence: missense variant.
Genome position (GRCh38, 1-based): chr16:81,365,420, G>A. VCF-style: chr16-81365420-G-A. GRCh37 (hg19) VCF-style: chr16-81399025-G-A.
Other names: c.805G>A, p.Ala269Thr (NM_001377486.1); short protein forms A482T, A269T.
Identifiers: ClinVar variation 533927 (VCV000533927.12), dbSNP rs369693274, ClinGen allele CA8191765.